The following is an entry in ClinVar:

NM_000112.4(SLC26A2):c.1734del (p.Lys579fs)

Gene: SLC26A2 (solute carrier family 26 member 2; plus strand). Cytogenetic location: 5q32.
Variant type: Deletion.
Coding change: c.1734del on transcript NM_000112.4 (MANE Select); coding-DNA position 1734, one base deleted (C; older notation c.1734delC).
Protein change: p.Lys579fs; shifts the reading frame from lysine 579.
Molecular consequence: frameshift variant.
Genome position (GRCh38, 1-based): chr5:149,981,327, C deleted. VCF-style (leftmost placement, unchanged base first): chr5-149981326-TC-T. GRCh37 (hg19) VCF-style: chr5-149360889-TC-T.
Other names: c.1734del (NM_000112.3); short protein forms K579fs.
Identifiers: ClinVar variation 2690702 (VCV002690702.3), dbSNP rs2480776863, ClinGen allele CA2697546549.
Genomic context (GRCh38, chr5:149,981,326, plus strand): 5'-AAGAGTCTGAGGTCTTTGAATCTGTGTCTGCTTACAAGAACCTTCAGATTAAGCCAGGCA[TC>T]AAGATTTTCCGCTTTGTAGCCCCTCTCTACTACATAAACAAAGAATGCTTTAAATCTGCT-3'

ClinVar aggregate classification (germline): Likely pathogenic. Review status: criteria provided, multiple submitters, no conflicts (2 of 4 stars). 2 submissions from 2 submitters: Likely pathogenic (2). Last evaluated 2024-07-02.

Conditions:
Achondrogenesis, type IB (ACG1B). Also called: Achondrogenesis Type 1B. Identifiers: Orphanet 932, Orphanet 93298, MedGen C0265274, MONDO:0010966, OMIM 600972.

Submissions (2):

Natera, Inc.
Classification: Likely pathogenic for Achondrogenesis type IB. Last evaluated: 2024-07-02. Review status: criteria provided, single submitter. Criteria: Natera Variant Classification Schema (03/2026). Collection method: clinical testing. Allele origin: germline.
Comment: The c.1734del variant in SLC26A2 is a frameshift variant predicted to shift the reading frame beginning at codon 579 and leads to a stop codon 6 codons downstream. This variant is expected to result in nonsense mediated decay, truncation, or a dysfunctional protein product. This variant is rare in the general population with a frequency below the threshold expected for the associated phenotype(s). Given the available evidence, this variant is classified as Likely Pathogenic.

Revvity Omics, Revvity
Classification: Likely pathogenic. Last evaluated: 2023-02-14. Review status: criteria provided, single submitter. Criteria: ACMG Guidelines, 2015. Collection method: clinical testing. Allele origin: germline.